The following is an entry in ClinVar:

NM_001282225.2(ADA2):c.159C>T (p.Asn53=)

Gene: ADA2 (adenosine deaminase 2; minus strand). Cytogenetic location: 22q11.1.
Variant type: single nucleotide variant.
Coding change: c.159C>T on transcript NM_001282225.2 (MANE Select); coding-DNA position 159, C replaced by T.
Protein change: p.Asn53=; no amino-acid change (asparagine 53 retained).
Molecular consequence: synonymous variant. On other transcripts: intron variant (1).
Genome position (GRCh38, 1-based): chr22:17,209,519, G>A on the plus strand (C>T on the coding strand, the complement: ADA2 is on the minus strand). VCF-style: chr22-17209519-G-A. GRCh37 (hg19) VCF-style: chr22-17690409-G-A.
Other names: p.Asn53=; c.159C>T, p.Asn53= (NM_001282226.2); c.33C>T, p.Asn11= (NM_001282227.2, NM_001282228.2); c.-38-2229C>T (NM_001282229.2).
Identifiers: ClinVar variation 402529 (VCV000402529.23), dbSNP rs362129, ClinGen allele CA10088309.

ClinVar aggregate classification (germline): Benign/Likely benign. Review status: criteria provided, multiple submitters, no conflicts (2 of 4 stars). 9 submissions from 9 submitters: Benign (6); Likely benign (1). 2 of the submissions do not count toward it. Last evaluated 2026-02-04.

Conditions:
Deficiency of adenosine deaminase 2. Also called: Adenosine Deaminase 2 Deficiency; Polyarteritis nodosa, childhoood-onset; VASCULITIS, AUTOINFLAMMATION, IMMUNODEFICIENCY, AND HEMATOLOGIC DEFECTS SYNDROME. Identifiers: Orphanet 404553, MedGen C3887654, MONDO:0014306, OMIM 615688, MONDO:0100317.

Allele frequency attached by ClinVar (database versions not stated): gnomAD exomes 0.43282 and 0.50171; ExAC 0.43410; gnomAD 0.43592 and 0.43171; ESP Exome Variant Server 0.44956; 1000 Genomes Project 0.31130; 1000 Genomes Project 30x 0.31199; TOPMed 0.41594.
gnomAD v4.1: 798,104 of 1,613,674 alleles (49%); highest among the groups gnomAD compares: Non-Finnish European, 54%; 205,484 homozygotes.

Submissions (9):

Labcorp Genetics (formerly Invitae), Labcorp
Classification: Benign for Deficiency of adenosine deaminase 2. Last evaluated: 2026-02-04. Review status: criteria provided, single submitter. Criteria: Invitae Variant Classification Sherloc (09022015). Collection method: clinical testing. Allele origin: germline.

Women's Health and Genetics/Laboratory Corporation of America, LabCorp
Classification: Benign. Last evaluated: 2026-01-21. Review status: criteria provided, single submitter. Criteria: LabCorp Variant Classification Summary - May 2015. Collection method: clinical testing. Allele origin: germline.

Blueprint Genetics
Classification: Likely benign. Last evaluated: 2024-11-28. Review status: criteria provided, single submitter. Criteria: ACMG Guidelines, 2015. Collection method: clinical testing. Allele origin: germline.

Unidad de Genómica Garrahan, Hospital de Pediatría Garrahan
Classification: Benign. Last evaluated: 2023-11-12. Review status: criteria provided, single submitter. Criteria: ACMG Guidelines, 2015. Collection method: clinical testing. Allele origin: germline. Affected: no. Observed: 58 variant alleles.
Comment: This variant is classified as Benign based on local population frequency. This variant was detected in 60% of patients studied by a panel of primary immunodeficiencies. Number of patients: 58. Only high quality variants are reported.

Mayo Clinic Laboratories, Mayo Clinic
Classification: Benign. Last evaluated: 2022-04-26. Review status: criteria provided, single submitter. Criteria: ACMG Guidelines, 2015. Collection method: clinical testing. Allele origin: germline. Observed: 770 variant alleles.

Laboratory for Molecular Medicine, Mass General Brigham Personalized Medicine
Classification: Benign. Last evaluated: 2016-03-29. Review status: criteria provided, single submitter. Criteria: LMM Criteria. Collection method: clinical testing. Allele origin: germline.
Comment: Variant identified in a genome or exome case(s) and assessed due to predicted null impact of the variant or pathogenic assertions in the literature or databases. Disclaimer: This variant has not undergone full assessment. The following are preliminary notes: Frequency

Breakthrough Genomics
Classification: Benign. Review status: criteria provided, single submitter. Criteria: ACMG Guidelines, 2015. Collection method: not provided. Allele origin: germline. Inheritance: Autosomal recessive inheritance. Affected: yes.

Diagnostic Laboratory, Department of Genetics, University Medical Center Groningen
Classification: Benign. Review status: no assertion criteria provided. Collection method: clinical testing. Allele origin: germline. Affected: yes. Study: VKGL Data-share Consensus. Not counted in ClinVar's aggregate classification.

Joint Genome Diagnostic Labs from Nijmegen and Maastricht, Radboudumc and MUMC+
Classification: Benign. Review status: no assertion criteria provided. Collection method: clinical testing. Allele origin: germline. Affected: yes. Study: VKGL Data-share Consensus. Not counted in ClinVar's aggregate classification.